The following is an entry in ClinVar:

ClinVar aggregate classification (germline): Uncertain significance (1 of 4 stars; one submission).

Allele frequency attached by ClinVar (database versions not stated): TOPMed 0.00001; gnomAD exomes 0.00002; ExAC 0.00009.
gnomAD v4.1: 13 of 1,567,848 alleles (0.00083%); highest among the groups gnomAD compares: Admixed American, 0.025%; no homozygotes.

Submission:

Labcorp Genetics (formerly Invitae), Labcorp
Classification: Uncertain significance. Last evaluated: 2025-01-31. Review status: criteria provided, single submitter. Criteria: Invitae Variant Classification Sherloc (09022015). Collection method: clinical testing. Allele origin: germline.
Comment: This sequence change replaces glutamine, which is neutral and polar, with glutamic acid, which is acidic and polar, at codon 295 of the TCIRG1 protein (p.Gln295Glu). This variant is present in population databases (rs774767504, gnomAD 0.04%). This variant has not been reported in the literature in individuals affected with TCIRG1-related conditions. ClinVar contains an entry for this variant (Variation ID: 2151400). Invitae Evidence Modeling of protein sequence and biophysical properties (such as structural, functional, and spatial information, amino acid conservation, physicochemical variation, residue mobility, and thermodynamic stability) indicates that this missense variant is not expected to disrupt TCIRG1 protein function with a negative predictive value of 80%. In summary, the available evidence is currently insufficient to determine the role of this variant in disease. Therefore, it has been classified as a Variant of Uncertain Significance.

NM_006019.4(TCIRG1):c.883C>G (p.Gln295Glu)

Gene: TCIRG1 (T cell immune regulator 1, ATPase H+ transporting V0 subunit a3; plus strand). Cytogenetic location: 11q13.2.
Variant type: single nucleotide variant.
Coding change: c.883C>G on transcript NM_006019.4 (MANE Select); coding-DNA position 883, C replaced by G.
Protein change: p.Gln295Glu; replaces glutamine 295 with glutamic acid.
Molecular consequence: missense variant. On other transcripts: 5 prime UTR variant (1).
Genome position (GRCh38, 1-based): chr11:68,044,207, C>G. VCF-style: chr11-68044207-C-G. GRCh37 (hg19) VCF-style: chr11-67811674-C-G.
Other names: c.-12C>G (NM_001351059.2); c.235C>G, p.Gln79Glu (NM_006053.4); short protein forms Q295E, Q79E.
Identifiers: ClinVar variation 2151400 (VCV002151400.3), dbSNP rs774767504, ClinGen allele CA6146842.